The following is an entry in ClinVar:

ClinVar aggregate classification (germline): Uncertain significance (1 of 4 stars; one submission).

Submission:

GeneDx
Classification: Uncertain significance. Last evaluated: 2024-08-28. Review status: criteria provided, single submitter. Criteria: GeneDx Variant Classification Process June 2021. Collection method: clinical testing. Allele origin: germline. Affected: yes.
Comment: Not observed at significant frequency in large population cohorts (gnomAD); In silico analysis supports that this missense variant has a deleterious effect on protein structure/function; Has not been previously published as pathogenic or benign to our knowledge; Variants in candidate genes are classified as variants of uncertain significance in accordance with ACMG guidelines (PMID: 25741868)

NM_017714.3(TASP1):c.415C>G (p.Pro139Ala)

Gene: TASP1 (taspase 1; minus strand). Cytogenetic location: 20p12.1.
Variant type: single nucleotide variant.
Coding change: c.415C>G on transcript NM_017714.3 (MANE Select); coding-DNA position 415, C replaced by G.
Protein change: p.Pro139Ala; replaces proline 139 with alanine.
Molecular consequence: missense variant. On other transcripts: non-coding transcript variant (4), intron variant (1).
Genome position (GRCh38, 1-based): chr20:13,580,970, G>C on the plus strand (C>G on the coding strand, the complement: TASP1 is on the minus strand). VCF-style: chr20-13580970-G-C. GRCh37 (hg19) VCF-style: chr20-13561617-G-C.
Other names: c.109C>G, p.Pro37Ala (NM_001323603.2, NM_001323604.2); c.282+42476C>G (NM_001323602.2); short protein forms P139A, P37A.
Identifiers: ClinVar variation 3766124 (VCV003766124.1).